The following is an entry in ClinVar:

ClinVar aggregate classification (germline): Uncertain significance. Review status: criteria provided, multiple submitters, no conflicts (2 of 4 stars). 2 submissions from 2 submitters: Uncertain significance (2). Last evaluated 2025-10-26.

Allele frequency attached by ClinVar (database versions not stated): gnomAD 0.00003; TOPMed 0.00003.
gnomAD v4.1: 13 of 1,613,360 alleles (0.00081%); highest among the groups gnomAD compares: East Asian, 0.0022%; no homozygotes.

Submissions (2):

Labcorp Genetics (formerly Invitae), Labcorp
Classification: Uncertain significance. Last evaluated: 2025-10-26. Review status: criteria provided, single submitter. Criteria: Invitae Variant Classification Sherloc (09022015). Collection method: clinical testing. Allele origin: germline.
Comment: This sequence change replaces proline, which is neutral and non-polar, with leucine, which is neutral and non-polar, at codon 1165 of the SCN3A protein (p.Pro1165Leu). This variant is present in population databases (no rsID available, gnomAD 0.003%). This missense change has been observed in individual(s) with clinical features of SCN3A-related conditions (PMID: 34992632). ClinVar contains an entry for this variant (Variation ID: 645387). Invitae Evidence Modeling of protein sequence and biophysical properties (such as structural, functional, and spatial information, amino acid conservation, physicochemical variation, residue mobility, and thermodynamic stability) indicates that this missense variant is expected to disrupt SCN3A protein function with a positive predictive value of 80%. In summary, the available evidence is currently insufficient to determine the role of this variant in disease. Therefore, it has been classified as a Variant of Uncertain Significance.

GeneDx
Classification: Uncertain significance. Last evaluated: 2021-12-08. Review status: criteria provided, single submitter. Criteria: GeneDx Variant Classification Process June 2021. Collection method: clinical testing. Allele origin: germline. Affected: yes.
Comment: Not observed at significant frequency in large population cohorts (Lek et al., 2016); In silico analysis supports that this missense variant has a deleterious effect on protein structure/function; Has not been previously published as pathogenic or benign to our knowledge

Literature cited by the submitters: PubMed 34992632 (cited by Labcorp Genetics (formerly Invitae), Labcorp).

NM_006922.4(SCN3A):c.3494C>T (p.Pro1165Leu)

Gene: SCN3A (sodium voltage-gated channel alpha subunit 3; minus strand). Cytogenetic location: 2q24.3.
Variant type: single nucleotide variant.
Coding change: c.3494C>T on transcript NM_006922.4 (MANE Select); coding-DNA position 3494, C replaced by T.
Protein change: p.Pro1165Leu; replaces proline 1165 with leucine.
Molecular consequence: missense variant.
Genome position (GRCh38, 1-based): chr2:165,115,475, G>A on the plus strand (C>T on the coding strand, the complement: SCN3A is on the minus strand). VCF-style: chr2-165115475-G-A. GRCh37 (hg19) VCF-style: chr2-165971985-G-A.
Other names: c.3347C>T, p.Pro1116Leu (NM_001081676.2, NM_001081677.2); short protein forms P1116L, P1165L.
Identifiers: ClinVar variation 645387 (VCV000645387.13), dbSNP rs563038965, ClinGen allele CA349035617.
Genomic context (GRCh38, chr2:165,115,475, plus strand): 5'-CAAGGGGAGATTGTATTTAATCACATCAGAGCTTGTTTACCTTCAGTAAAACAAGCTTCC[G>A]GTTTAAGGTCTTCTTCGGGTTCAGTTTCAGCTTGTTCACCTTCTCGGGGTAGAACAACAT-3'
Protein context (NP_008853.3, residues 1155-1175): AETEPEEDLK[Pro1165Leu]EACFTEGCIK